The following is an entry in ClinVar:

NM_032816.5(CEP89):c.2345C>T (p.Thr782Ile)

Gene: CEP89 (centrosomal protein 89; minus strand). Cytogenetic location: 19q13.11.
Variant type: single nucleotide variant.
Coding change: c.2345C>T on transcript NM_032816.5 (MANE Select); coding-DNA position 2345, C replaced by T.
Protein change: p.Thr782Ile; replaces threonine 782 with isoleucine.
Molecular consequence: missense variant.
Genome position (GRCh38, 1-based): chr19:32,879,169, G>A on the plus strand (C>T on the coding strand, the complement: CEP89 is on the minus strand). VCF-style: chr19-32879169-G-A. GRCh37 (hg19) VCF-style: chr19-33370075-G-A.
Other names: short protein forms T782I.
Identifiers: ClinVar variation 3490945 (VCV003490945.3).
Genomic context (GRCh38, chr19:32,879,169, plus strand): 5'-GTGAGGCAGACCTTTCAGGCCAGAGGAGGCTACACCACGGGCTCCCGCAGATTCTAGCAG[G>A]TGGGGGCATGAGACTTCAGGTCATAGGAGCAGACATCGCAGCCGTCCAGCAGGTCTGCCT-3'
Protein context (NP_116205.3, residues 772-783): CSYDLKSHAP[Thr782Ile]C

ClinVar aggregate classification (germline): Uncertain significance. Review status: criteria provided, multiple submitters, no conflicts (2 of 4 stars). 2 submissions from 2 submitters: Uncertain significance (2). Last evaluated 2025-06-12.

gnomAD v4.1: 9 of 1,607,386 alleles (0.00056%); highest among the groups gnomAD compares: African/African-American, 0.0094%; no homozygotes.

Submissions (2):

Labcorp Genetics (formerly Invitae), Labcorp
Classification: Uncertain significance. Last evaluated: 2025-06-12. Review status: criteria provided, single submitter. Criteria: Invitae Variant Classification Sherloc (09022015). Collection method: clinical testing. Allele origin: germline.
Comment: This sequence change replaces threonine, which is neutral and polar, with isoleucine, which is neutral and non-polar, at codon 782 of the CEP89 protein (p.Thr782Ile). This variant is present in population databases (rs748498279, gnomAD 0.02%). This variant has not been reported in the literature in individuals affected with CEP89-related conditions. ClinVar contains an entry for this variant (Variation ID: 3490945). An algorithm developed to predict the effect of missense changes on protein structure and function outputs the following: PolyPhen-2: "Benign". The isoleucine amino acid residue is found in multiple mammalian species, which suggests that this missense change does not adversely affect protein function. In summary, the available evidence is currently insufficient to determine the role of this variant in disease. Therefore, it has been classified as a Variant of Uncertain Significance.

Ambry Genetics
Classification: Uncertain significance. Last evaluated: 2024-09-27. Review status: criteria provided, single submitter. Criteria: Ambry Variant Classification Scheme 2023. Collection method: clinical testing. Allele origin: germline.